The following is an entry in ClinVar:

NM_000392.5(ABCC2):c.4508+3G>T

Gene: ABCC2 (ATP binding cassette subfamily C member 2; plus strand). Cytogenetic location: 10q24.2.
Variant type: single nucleotide variant.
Coding change: c.4508+3G>T on transcript NM_000392.5 (MANE Select); 3 bases into the intron after coding-DNA position 4508, G replaced by T.
Molecular consequence: intron variant.
Genome position (GRCh38, 1-based): chr10:99,850,799, G>T. VCF-style: chr10-99850799-G-T. GRCh37 (hg19) VCF-style: chr10-101610556-G-T.
Identifiers: ClinVar variation 4991791 (VCV004991791.1).

ClinVar aggregate classification (germline): Uncertain significance (1 of 4 stars; one submission).

Conditions:
ABCC2-related disorder. Also called: ABCC2-related condition.

gnomAD v4.1: 4 of 1,614,162 alleles (0.00025%); highest among the groups gnomAD compares: South Asian, 0.0011%; no homozygotes.

Submission:

PreventionGenetics, part of Exact Sciences
Classification: Uncertain significance for ABCC2-related condition. Last evaluated: 2025-12-02. Review status: criteria provided, single submitter. Criteria: ACMG Guidelines, 2015. Collection method: clinical testing. Allele origin: germline.
Comment: The ABCC2 c.4508+3G>T variant is predicted to interfere with splicing. To our knowledge, this variant has not been reported in the literature. This variant is reported in 0.00088% of alleles in individuals of European (Non-Finnish) descent in gnomAD. At this time, the clinical significance of this variant is uncertain due to the absence of conclusive functional and genetic evidence.